The following is an entry in ClinVar:

ClinVar aggregate classification (germline): Uncertain significance (1 of 4 stars; one submission).

Conditions:
Arrhythmogenic right ventricular dysplasia 9 (ARVD9). Also called: Arrhythmogenic Right Ventricular Dysplasia/Cardiomyopathy 9; ARRHYTHMOGENIC RIGHT VENTRICULAR DYSPLASIA, FAMILIAL, 9. Identifiers: MedGen C1836906, MONDO:0012180, OMIM 609040.

Submission:

Labcorp Genetics (formerly Invitae), Labcorp
Classification: Uncertain significance for Arrhythmogenic right ventricular dysplasia 9. Last evaluated: 2024-08-31. Review status: criteria provided, single submitter. Criteria: Invitae Variant Classification Sherloc (09022015). Collection method: clinical testing. Allele origin: germline.
Comment: This variant, c.866_868del, results in the deletion of 1 amino acid(s) of the PKP2 protein (p.Ser289del), but otherwise preserves the integrity of the reading frame. This variant is not present in population databases (gnomAD no frequency). This variant has not been reported in the literature in individuals affected with PKP2-related conditions. Experimental studies and prediction algorithms are not available or were not evaluated, and the functional significance of this variant is currently unknown. In summary, the available evidence is currently insufficient to determine the role of this variant in disease. Therefore, it has been classified as a Variant of Uncertain Significance.

NM_001005242.3(PKP2):c.863CCT[1] (p.Ser289del)

Gene: PKP2 (plakophilin 2; minus strand). Cytogenetic location: 12p11.21.
Variant type: Microsatellite.
Coding change: c.863CCT[1] on transcript NM_001005242.3 (MANE Select); one copy of the 3-base unit CCT starting at c.863; the reference has two copies in a row; one copy, 3 bases deleted.
Protein change: p.Ser289del; deletes serine 289.
Genome position (GRCh38, 1-based): chr12:32,878,012-32,878,014, AGG deleted on the plus strand (CCT on the coding strand, the reverse complement: PKP2 is on the minus strand); deleting any 3 consecutive bases within chr12:32,878,012-32,878,018 gives the same sequence; the position shown is the placement nearest the transcript's 3' end. VCF-style (leftmost placement, unchanged base first): chr12-32878011-CAGG-C. GRCh37 (hg19) VCF-style: chr12-33030945-CAGG-C.
Other names: c.863CCT[1], p.Ser289del (NM_001407155.1, NM_001407156.1, NM_001407157.1 and 2 more transcripts); c.536CCT[1], p.Ser180del (NM_001407158.1, NM_001407159.1, NM_001407160.1 and 1 more transcripts); short protein forms S180del, S289del.
Identifiers: ClinVar variation 3662826 (VCV003662826.2).